The following is an entry in ClinVar:

ClinVar aggregate classification (germline): Uncertain significance (1 of 4 stars; one submission).

Conditions:
Developmental and epileptic encephalopathy, 21 (DEE21). Also called: Early infantile epileptic encephalopathy 21. Identifiers: Orphanet 442835, MedGen C4014430, MONDO:0014360, OMIM 615833.

Allele frequency attached by ClinVar (database versions not stated): gnomAD exomes below 0.00001 and 0.00001; TOPMed below 0.00001.
gnomAD v4.1: 2 of 1,612,444 alleles (0.00012%); highest among the groups gnomAD compares: Admixed American, 0.0033%; no homozygotes.

Submission:

Labcorp Genetics (formerly Invitae), Labcorp
Classification: Uncertain significance for Developmental and epileptic encephalopathy, 21. Last evaluated: 2023-04-19. Review status: criteria provided, single submitter. Criteria: Invitae Variant Classification Sherloc (09022015). Collection method: clinical testing. Allele origin: germline.
Comment: In summary, the available evidence is currently insufficient to determine the role of this variant in disease. Therefore, it has been classified as a Variant of Uncertain Significance. An algorithm developed to predict the effect of missense changes on protein structure and function (PolyPhen-2) suggests that this variant¬† is likely to be tolerated. ClinVar contains an entry for this variant (Variation ID: 1499577). This variant has not been reported in the literature in individuals affected with NECAP1-related conditions. This variant is present in population databases (no rsID available, gnomAD 0.006%). This sequence change replaces proline, which is neutral and non-polar, with serine, which is neutral and polar, at codon 199 of the NECAP1 protein (p.Pro199Ser).

NM_015509.4(NECAP1):c.595C>T (p.Pro199Ser)

Gene: NECAP1 (NECAP endocytosis associated 1; plus strand). Cytogenetic location: 12p13.31.
Variant type: single nucleotide variant.
Coding change: c.595C>T on transcript NM_015509.4 (MANE Select); coding-DNA position 595, C replaced by T.
Protein change: p.Pro199Ser; replaces proline 199 with serine.
Molecular consequence: missense variant. On other transcripts: non-coding transcript variant (1).
Genome position (GRCh38, 1-based): chr12:8,092,974, C>T. VCF-style: chr12-8092974-C-T. GRCh37 (hg19) VCF-style: chr12-8245570-C-T.
Other names: short protein forms P199S.
Identifiers: ClinVar variation 1499577 (VCV001499577.6), dbSNP rs1340615210, ClinGen allele CA383800710.